The following is an entry in ClinVar:

NM_006231.4(POLE):c.3905T>C (p.Leu1302Pro)

Gene: POLE (DNA polymerase epsilon, catalytic subunit; minus strand). Cytogenetic location: 12q24.33.
Variant type: single nucleotide variant.
Coding change: c.3905T>C on transcript NM_006231.4 (MANE Select); coding-DNA position 3905, T replaced by C.
Protein change: p.Leu1302Pro; replaces leucine 1302 with proline.
Molecular consequence: missense variant.
Genome position (GRCh38, 1-based): chr12:132,649,406, A>G on the plus strand (T>C on the coding strand, the complement: POLE is on the minus strand). VCF-style: chr12-132649406-A-G. GRCh37 (hg19) VCF-style: chr12-133225992-A-G.
Other names: c.3905T>C (NM_006231.2); short protein forms L1302P.
Identifiers: ClinVar variation 540683 (VCV000540683.16), dbSNP rs766058852, ClinGen allele CA6893057.

ClinVar aggregate classification (germline): Conflicting classifications of pathogenicity. Review status: criteria provided, conflicting classifications (1 of 4 stars). 5 submissions from 5 submitters: Uncertain significance (4); Likely benign (1). Last evaluated 2025-12-23.

Conditions:
Hereditary cancer-predisposing syndrome. Also called: Neoplastic Syndromes, Hereditary; Hereditary Cancer Syndrome; Hereditary neoplastic syndrome; Tumor predisposition. Identifiers: Orphanet 140162, MedGen C0027672, MeSH D009386, MONDO:0015356.
Colorectal cancer, susceptibility to, 12 (CRCS12). Also called: COLORECTAL CANCER, SUSCEPTIBILITY TO, ON CHROMOSOME 12q24. Identifiers: Orphanet 220460, MedGen C3554460, MONDO:0014038, OMIM 615083.

Allele frequency attached by ClinVar (database versions not stated): gnomAD exomes below 0.00001; ExAC 0.00001.
gnomAD v4.1: 5 of 1,613,196 alleles (0.00031%); highest among the groups gnomAD compares: Middle Eastern, 0.017%; no homozygotes.

Submissions (5):

Labcorp Genetics (formerly Invitae), Labcorp
Classification: Uncertain significance. Last evaluated: 2025-12-23. Review status: criteria provided, single submitter. Criteria: Invitae Variant Classification Sherloc (09022015). Collection method: clinical testing. Allele origin: germline.
Comment: This sequence change replaces leucine, which is neutral and non-polar, with proline, which is neutral and non-polar, at codon 1302 of the POLE protein (p.Leu1302Pro). This variant is present in population databases (rs766058852, gnomAD 0.006%). This variant has not been reported in the literature in individuals affected with POLE-related conditions. ClinVar contains an entry for this variant (Variation ID: 540683). An algorithm developed to predict the effect of missense changes on protein structure and function outputs the following: PolyPhen-2: "Benign". The proline amino acid residue is found in multiple mammalian species, which suggests that this missense change does not adversely affect protein function. In summary, the available evidence is currently insufficient to determine the role of this variant in disease. Therefore, it has been classified as a Variant of Uncertain Significance.

KCCC/NGS Laboratory, Kuwait Cancer Control Center
Classification: Uncertain significance for Colorectal cancer, susceptibility to, 12. Last evaluated: 2023-07-07. Review status: criteria provided, single submitter. Criteria: ACMG Guidelines, 2015. Collection method: clinical testing. Allele origin: unknown. Affected: yes.
Comment: This sequence change replaces leucine with proline at codon 1302 of the POLE protein (p.Leu1302Pro). This variant has not been reported in the literature in individuals with POLE-related disease. In-silico predictions show benign computational verdict based on 12 benign predictions from BayesDel_addAF, DANN, DEOGEN2, EIGEN, FATHMM-MKL, LIST-S2, M-CAP, MVP, MutationAssessor, MutationTaster, PrimateAI and SIFT vs no pathogenic predictions and the position is not strongly conserved. These predictions have not been confirmed by published functional studies and their clinical significance is uncertain. Therefore, it has been classified as a Variant of Uncertain Significance.

Ambry Genetics
Classification: Likely benign for Hereditary cancer-predisposing syndrome. Last evaluated: 2021-12-01. Review status: criteria provided, single submitter. Criteria: Ambry Variant Classification Scheme 2023. Collection method: clinical testing. Allele origin: germline.

GeneDx
Classification: Uncertain significance. Last evaluated: 2019-11-18. Review status: criteria provided, single submitter. Criteria: GeneDx Variant Classification Process June 2021. Collection method: clinical testing. Allele origin: germline. Affected: yes.
Comment: Not observed at a significant frequency in large population cohorts (Lek 2016); In silico analysis, which includes protein predictors and evolutionary conservation, supports that this variant does not alter protein structure/function; Has not been previously published as pathogenic or benign to our knowledge

Breakthrough Genomics
Classification: Uncertain significance. Review status: criteria provided, single submitter. Criteria: ACMG Guidelines, 2015. Collection method: not provided. Allele origin: germline. Inheritance: Autosomal recessive inheritance. Affected: yes.